The following is an entry in ClinVar:

ClinVar aggregate classification (germline): Uncertain significance (1 of 4 stars; one submission).

Conditions:
Immunodeficiency 35 (IMD35). Also called: HIES WITH ATYPICAL MYCOBACTERIOSIS, AUTOSOMAL RECESSIVE; HYPER-IgE SYNDROME WITH ATYPICAL MYCOBACTERIOSIS, AUTOSOMAL RECESSIVE; TYK2 DEFICIENCY; Susceptibility to infection due to TYK2 deficiency. Identifiers: Orphanet 331226, MedGen C1969086, MONDO:0012682, OMIM 611521.

Allele frequency attached by ClinVar (database versions not stated): gnomAD exomes below 0.00001 and 0.00001; TOPMed 0.00001; gnomAD 0.00002.
gnomAD v4.1: 9 of 1,611,506 alleles (0.00056%); highest among the groups gnomAD compares: Admixed American, 0.0017%; no homozygotes.

Submission:

Labcorp Genetics (formerly Invitae), Labcorp
Classification: Uncertain significance for Immunodeficiency 35. Last evaluated: 2023-08-04. Review status: criteria provided, single submitter. Criteria: Invitae Variant Classification Sherloc (09022015). Collection method: clinical testing. Allele origin: germline.
Comment: This sequence change replaces proline, which is neutral and non-polar, with serine, which is neutral and polar, at codon 836 of the TYK2 protein (p.Pro836Ser). In summary, the available evidence is currently insufficient to determine the role of this variant in disease. Therefore, it has been classified as a Variant of Uncertain Significance. Advanced modeling of protein sequence and biophysical properties (such as structural, functional, and spatial information, amino acid conservation, physicochemical variation, residue mobility, and thermodynamic stability) performed at Invitae indicates that this missense variant is not expected to disrupt TYK2 protein function. ClinVar contains an entry for this variant (Variation ID: 536642). This variant has not been reported in the literature in individuals affected with TYK2-related conditions. This variant is present in population databases (no rsID available, gnomAD 0.0009%).

NM_003331.5(TYK2):c.2506C>T (p.Pro836Ser)

Gene: TYK2 (tyrosine kinase 2; minus strand). Cytogenetic location: 19p13.2.
Variant type: single nucleotide variant.
Coding change: c.2506C>T on transcript NM_003331.5 (MANE Select); coding-DNA position 2506, C replaced by T.
Protein change: p.Pro836Ser; replaces proline 836 with serine.
Molecular consequence: missense variant.
Genome position (GRCh38, 1-based): chr19:10,356,679, G>A on the plus strand (C>T on the coding strand, the complement: TYK2 is on the minus strand). VCF-style: chr19-10356679-G-A. GRCh37 (hg19) VCF-style: chr19-10467355-G-A.
Other names: c.2506C>T (LRG_121t1); short protein forms P836S.
Identifiers: ClinVar variation 536642 (VCV000536642.9), dbSNP rs1169822550, ClinGen allele CA403992572.